The following is an entry in ClinVar:

NM_198578.4(LRRK2):c.3063T>G (p.Asn1021Lys)

Gene: LRRK2 (leucine rich repeat kinase 2; plus strand). Cytogenetic location: 12q12.
Variant type: single nucleotide variant.
Coding change: c.3063T>G on transcript NM_198578.4 (MANE Select); coding-DNA position 3063, T replaced by G.
Protein change: p.Asn1021Lys; replaces asparagine 1021 with lysine.
Molecular consequence: missense variant.
Genome position (GRCh38, 1-based): chr12:40,295,611, T>G. VCF-style: chr12-40295611-T-G. GRCh37 (hg19) VCF-style: chr12-40689413-T-G.
Other names: short protein forms N1021K.
Identifiers: ClinVar variation 2624889 (VCV002624889.2), dbSNP rs1468885948, ClinGen allele CA384413029.

ClinVar aggregate classification (germline): Uncertain significance (1 of 4 stars; one submission).

Conditions:
Inborn genetic diseases. Identifiers: MedGen C0950123, MeSH D030342.

Submission:

Ambry Genetics
Classification: Uncertain significance for Inborn genetic diseases. Last evaluated: 2023-08-29. Review status: criteria provided, single submitter. Criteria: Ambry Variant Classification Scheme 2023. Collection method: clinical testing. Allele origin: germline.
Comment: The p.N1021K variant (also known as c.3063T>G), located in coding exon 23 of the LRRK2 gene, results from a T to G substitution at nucleotide position 3063. The asparagine at codon 1021 is replaced by lysine, an amino acid with similar properties. This amino acid position is conserved. In addition, the in silico prediction for this alteration is inconclusive. Since supporting evidence is limited at this time, the clinical significance of this alteration remains unclear.